The following is an entry in ClinVar:

ClinVar aggregate classification (germline): Uncertain significance. Review status: criteria provided, multiple submitters, no conflicts (2 of 4 stars). 5 submissions from 4 submitters: Uncertain significance (5). Last evaluated 2026-01-28.

Conditions:
Adams-Oliver syndrome 5 (AOS5). Identifiers: Orphanet 974, MedGen C4014970, MONDO:0014459, OMIM 616028.
Familial thoracic aortic aneurysm and aortic dissection (TAAD). Also called: Thoracic aortic aneurysms and dissections. Identifiers: Orphanet 91387, MedGen C4707243, MONDO:0019625.
Aortic valve disease 1 (AOVD1). Identifiers: MedGen C3887892, MONDO:0024523, OMIM 109730.

Allele frequency attached by ClinVar (database versions not stated): gnomAD exomes below 0.00001; gnomAD 0.00001.
gnomAD v4.1: 2 of 1,610,264 alleles (0.00012%); highest among the groups gnomAD compares: East Asian, 0.0022%; no homozygotes.

Submissions (5):

Labcorp Genetics (formerly Invitae), Labcorp
Classification: Uncertain significance for Adams-Oliver syndrome 5. Last evaluated: 2026-01-28. Review status: criteria provided, single submitter. Criteria: Invitae Variant Classification Sherloc (09022015). Collection method: clinical testing. Allele origin: germline.
Comment: This sequence change replaces serine, which is neutral and polar, with leucine, which is neutral and non-polar, at codon 2523 of the NOTCH1 protein (p.Ser2523Leu). This variant is not present in population databases (gnomAD no frequency). This missense change has been observed in individual(s) with an aortopathy (PMID: 34498425). ClinVar contains an entry for this variant (Variation ID: 520048). Invitae Evidence Modeling of protein sequence and biophysical properties (such as structural, functional, and spatial information, amino acid conservation, physicochemical variation, residue mobility, and thermodynamic stability) indicates that this missense variant is not expected to disrupt NOTCH1 protein function with a negative predictive value of 80%. Experimental studies have shown that this missense change does not substantially affect NOTCH1 function (PMID: 35186194). In summary, the available evidence is currently insufficient to determine the role of this variant in disease. Therefore, it has been classified as a Variant of Uncertain Significance.

Genome-Nilou Lab
Classification: Uncertain significance for Adams-Oliver syndrome 5. Last evaluated: 2022-03-15. Review status: criteria provided, single submitter. Criteria: ACMG Guidelines, 2015. Collection method: clinical testing. Allele origin: germline. Affected: no.

Genome-Nilou Lab
Classification: Uncertain significance for Aortic valve disease 1. Last evaluated: 2022-03-15. Review status: criteria provided, single submitter. Criteria: ACMG Guidelines, 2015. Collection method: clinical testing. Allele origin: germline. Affected: no.

GeneDx
Classification: Uncertain significance. Last evaluated: 2019-06-25. Review status: criteria provided, single submitter. Criteria: GeneDx Variant Classification Process June 2021. Collection method: clinical testing. Allele origin: germline. Affected: yes.
Comment: Has not been previously published as pathogenic or benign in association with HDCT to our knowledge; Reported in ClinVar as a variant of uncertain significance but additional evidence is not available (ClinVar Variant ID# 520048; Landrum et al., 2016); Not observed in large population cohorts (Lek et al., 2016); In silico analysis, which includes protein predictors and evolutionary conservation, supports a deleterious effect; This variant is associated with the following publications: (PMID: 25564152, 29990500, 30053901)

Ambry Genetics
Classification: Uncertain significance for Familial thoracic aortic aneurysm and aortic dissection. Last evaluated: 2016-07-08. Review status: criteria provided, single submitter. Criteria: Ambry Variant Classification Scheme 2023. Collection method: clinical testing. Allele origin: germline.
Comment: The p.S2523L variant (also known as c.7568C>T), located in coding exon 34 of the NOTCH1 gene, results from a C to T substitution at nucleotide position 7568. The serine at codon 2523 is replaced by leucine, an amino acid with dissimilar properties. This variant was not reported in population based cohorts in the following databases: Database of Single Nucleotide Polymorphisms (dbSNP), NHLBI Exome Sequencing Project (ESP), and 1000 Genomes Project. In the ESP, this variant was not observed in 6223 samples (12446 alleles) with coverage at this position. This amino acid position is highly conserved in available vertebrate species. In addition, the in silico prediction for this alteration is inconclusive. Since supporting evidence is limited at this time, the clinical significance of this alteration remains unclear.

Literature cited by the submitters: PubMed 34498425 (cited by Labcorp Genetics (formerly Invitae), Labcorp); PubMed 35186194 (cited by Labcorp Genetics (formerly Invitae), Labcorp).

NM_017617.5(NOTCH1):c.7568C>T (p.Ser2523Leu)

Gene: NOTCH1 (notch receptor 1; minus strand). Cytogenetic location: 9q34.3.
Variant type: single nucleotide variant.
Coding change: c.7568C>T on transcript NM_017617.5 (MANE Select); coding-DNA position 7568, C replaced by T.
Protein change: p.Ser2523Leu; replaces serine 2523 with leucine.
Molecular consequence: missense variant.
Genome position (GRCh38, 1-based): chr9:136,496,171, G>A on the plus strand (C>T on the coding strand, the complement: NOTCH1 is on the minus strand). VCF-style: chr9-136496171-G-A. GRCh37 (hg19) VCF-style: chr9-139390623-G-A.
Other names: c.7568C>T, p.Ser2523Leu (LRG_1122t1); short protein forms S2523L.
Identifiers: ClinVar variation 520048 (VCV000520048.9), dbSNP rs1554826328, ClinGen allele CA375625916.
Genomic context (GRCh38, chr9:136,496,171, plus strand): 5'-ATGCTGGTGGGAGGGCTGGAGACGCCCTCGGACCAGTCGGAGACGTTGGAATGCGGGGAC[G>A]AGCTGGACCACTGGTCAGGGGACTCAGGGGACGGGGTGAGGAAGGGGTGCTCAGGCACCT-3'
Protein context (NP_060087.3, residues 2513-2533): SPESPDQWSS[Ser2523Leu]SPHSNVSDWS